The following is an entry in ClinVar:

NM_001042492.3(NF1):c.1527+241A>G

Gene: NF1 (neurofibromin 1; plus strand). Cytogenetic location: 17q11.2.
Variant type: single nucleotide variant.
Coding change: c.1527+241A>G on transcript NM_001042492.3 (MANE Select); 241 bases into the intron after coding-DNA position 1527, A replaced by G.
Molecular consequence: intron variant.
Genome position (GRCh38, 1-based): chr17:31,214,826, A>G. VCF-style: chr17-31214826-A-G. GRCh37 (hg19) VCF-style: chr17-29541844-A-G.
Other names: c.1527+241A>G (NM_000267.4, NM_001128147.3).
Identifiers: ClinVar variation 561488 (VCV000561488.1), dbSNP rs17880463, ClinGen allele CA289356956.

ClinVar aggregate classification (germline): Likely benign (1 of 4 stars; one submission).

Allele frequency attached by ClinVar (database versions not stated): gnomAD 0.00375 and 0.00396; TOPMed 0.00393; 1000 Genomes Project 0.00439; 1000 Genomes Project 30x 0.00500.

Submission:

GeneDx
Classification: Likely benign. Last evaluated: 2018-06-16. Review status: criteria provided, single submitter. Criteria: GeneDx Variant Classification (06012015). Collection method: clinical testing. Allele origin: germline. Affected: yes.
Comment: This variant is considered likely benign or benign based on one or more of the following criteria: it is a conservative change, it occurs at a poorly conserved position in the protein, it is predicted to be benign by multiple in silico algorithms, and/or has population frequency not consistent with disease.